The following is an entry in ClinVar:

NM_030773.4(TUBB1):c.166+1G>C

Gene: TUBB1 (tubulin beta 1 class VI; plus strand). Cytogenetic location: 20q13.32.
Variant type: single nucleotide variant.
Coding change: c.166+1G>C on transcript NM_030773.4 (MANE Select); the canonical splice donor site of the intron after coding-DNA position 166, G replaced by C.
Molecular consequence: splice donor variant.
Genome position (GRCh38, 1-based): chr20:59,022,954, G>C. VCF-style: chr20-59022954-G-C. GRCh37 (hg19) VCF-style: chr20-57598009-G-C.
Identifiers: ClinVar variation 1709749 (VCV001709749.2), dbSNP rs2515915876, ClinGen allele CA409466327.

ClinVar aggregate classification (germline): Likely pathogenic (1 of 4 stars; one submission).

Conditions:
Macrothrombocytopenia, isolated, 1, autosomal dominant (MACTHC1). Also called: Autosomal dominant macrothrombocytopenia TUBB1-related. Identifiers: Orphanet 140957, MedGen C5676892, MONDO:0800047, OMIM 613112.

gnomAD v4.1: 2 of 1,613,464 alleles (0.00012%); highest among the groups gnomAD compares: Non-Finnish European, 0.00017%; no homozygotes.

Submission:

MGZ Medical Genetics Center
Classification: Likely pathogenic for Macrothrombocytopenia, isolated, 1, autosomal dominant. Last evaluated: 2022-08-25. Review status: criteria provided, single submitter. Criteria: ACMG Guidelines, 2015. Collection method: clinical testing. Allele origin: germline. Affected: yes. Observed: 1 variant allele.
Comment: ACMG criteria applied: PVS1, PM2_SUP